The following is an entry in ClinVar:

ClinVar aggregate classification (germline): Benign/Likely benign. Review status: criteria provided, multiple submitters, no conflicts (2 of 4 stars). 17 submissions from 10 submitters: Benign (11); Likely benign (6). Last evaluated 2026-01-26.

Conditions:
Cardiovascular phenotype. Identifiers: MedGen CN230736.
Dilated cardiomyopathy 1G (CMD1G). Identifiers: Orphanet 154, MedGen C1858763, MONDO:0011400, OMIM 604145.
Autosomal recessive limb-girdle muscular dystrophy type 2J (LGMDR10). Also called: Limb-girdle muscular dystrophy, type 2J; MUSCULAR DYSTROPHY, LIMB-GIRDLE, AUTOSOMAL RECESSIVE 10. Identifiers: Orphanet 140922, MedGen C1837342, MONDO:0012127, OMIM 608807.
Cardiomyopathy (CMYO). Also called: Cardiomyopathies. Identifiers: Orphanet 167848, MedGen C0878544, MONDO:0004994, HP:0001638. Inheritance: Various modes of inheritance.
Myopathy, myofibrillar, 9, with early respiratory failure (MFM9). Also called: Hereditary myopathy with early respiratory failure; MYOPATHY, PROXIMAL, WITH EARLY RESPIRATORY MUSCLE INVOLVEMENT; EDSTROM MYOPATHY; Myopathy, distal, with early respiratory failure, autosomal dominant. Identifiers: Orphanet 178464, Orphanet 34521, MedGen C1863599, MONDO:0011362, OMIM 603689.
Tibial muscular dystrophy (TMD). Also called: UDD MYOPATHY; Tibial muscular dystrophy, tardive; Udd Distal Myopathy – Tibial Muscular Dystrophy. Identifiers: Orphanet 609, MedGen C1838244, MONDO:0010870, OMIM 600334.
Early-onset myopathy with fatal cardiomyopathy (CMYO5). Also called: CONGENITAL MYOPATHY 5 WITH CARDIOMYOPATHY; Salih Myopathy. Identifiers: Orphanet 289377, MedGen C2673677, MONDO:0012714, OMIM 611705. Disease mechanism: loss of function.

Allele frequency attached by ClinVar (database versions not stated): gnomAD 0.00024 and 0.00034; gnomAD exomes 0.00033 and 0.00062; TOPMed 0.00040; ExAC 0.00074; 1000 Genomes Project 30x 0.00156; 1000 Genomes Project 0.00160.
gnomAD v4.1: 531 of 1,613,354 alleles (0.033%); highest among the groups gnomAD compares: East Asian, 1%; 8 homozygotes.

Submissions (17):

Labcorp Genetics (formerly Invitae), Labcorp
Classification: Benign for Dilated cardiomyopathy 1G; Autosomal recessive limb-girdle muscular dystrophy type 2J. Last evaluated: 2026-01-26. Review status: criteria provided, single submitter. Criteria: Invitae Variant Classification Sherloc (09022015). Collection method: clinical testing. Allele origin: germline.

Blueprint Genetics
Classification: Likely benign. Last evaluated: 2024-10-31. Review status: criteria provided, single submitter. Criteria: ACMG Guidelines, 2015. Collection method: clinical testing. Allele origin: germline.

CeGaT Center for Human Genetics Tuebingen
Classification: Likely benign. Last evaluated: 2023-10-01. Review status: criteria provided, single submitter. Criteria: CeGaT Center For Human Genetics Tuebingen Variant Classification Criteria Version 2. Collection method: clinical testing. Allele origin: germline. Affected: yes. Observed: 1 variant allele.
Comment: TTN: BP4, BP7

Women's Health and Genetics/Laboratory Corporation of America, LabCorp
Classification: Benign. Last evaluated: 2023-06-10. Review status: criteria provided, single submitter. Criteria: LabCorp Variant Classification Summary - May 2015. Collection method: clinical testing. Allele origin: germline.

Genome-Nilou Lab
Classification: Benign for Autosomal recessive limb-girdle muscular dystrophy type 2J. Last evaluated: 2021-09-10. Review status: criteria provided, single submitter. Criteria: ACMG Guidelines, 2015. Collection method: clinical testing. Allele origin: germline. Affected: no.

Genome-Nilou Lab
Classification: Benign for Myopathy, myofibrillar, 9, with early respiratory failure. Last evaluated: 2021-09-10. Review status: criteria provided, single submitter. Criteria: ACMG Guidelines, 2015. Collection method: clinical testing. Allele origin: germline. Affected: no.

Genome-Nilou Lab
Classification: Benign for Early-onset myopathy with fatal cardiomyopathy. Last evaluated: 2021-09-10. Review status: criteria provided, single submitter. Criteria: ACMG Guidelines, 2015. Collection method: clinical testing. Allele origin: germline. Affected: no.

Genome-Nilou Lab
Classification: Benign for Tibial muscular dystrophy. Last evaluated: 2021-09-10. Review status: criteria provided, single submitter. Criteria: ACMG Guidelines, 2015. Collection method: clinical testing. Allele origin: germline. Affected: no.

GeneDx
Classification: Likely benign. Last evaluated: 2018-03-16. Review status: criteria provided, single submitter. Criteria: GeneDx Variant Classification (06012015). Collection method: clinical testing. Allele origin: germline. Affected: yes.
Comment: This variant is considered likely benign or benign based on one or more of the following criteria: it is a conservative change, it occurs at a poorly conserved position in the protein, it is predicted to be benign by multiple in silico algorithms, and/or has population frequency not consistent with disease.

Illumina Laboratory Services, Illumina
Classification: Likely benign for Early-onset myopathy with fatal cardiomyopathy. Last evaluated: 2017-05-19. Review status: criteria provided, single submitter. Criteria: ICSL Variant Classification Criteria 13 December 2019. Collection method: clinical testing. Allele origin: germline.
Comment: This variant was observed as part of a predisposition screen in an ostensibly healthy population. A literature search was performed for the gene, cDNA change, and amino acid change (where applicable). No publications were found based on this search. Allele frequency data from public databases allowed determination this variant is unlikely to cause disease. Therefore, this variant is classified as likely benign.

Illumina Laboratory Services, Illumina
Classification: Likely benign for Autosomal recessive limb-girdle muscular dystrophy type 2J. Last evaluated: 2017-05-19. Review status: criteria provided, single submitter. Criteria: ICSL Variant Classification Criteria 13 December 2019. Collection method: clinical testing. Allele origin: germline.
Comment: the same text as in the submission from Illumina Laboratory Services, Illumina above.

Illumina Laboratory Services, Illumina
Classification: Benign for Tibial muscular dystrophy. Last evaluated: 2017-05-19. Review status: criteria provided, single submitter. Criteria: ICSL Variant Classification Criteria 13 December 2019. Collection method: clinical testing. Allele origin: germline.
Comment: This variant was observed as part of a predisposition screen in an ostensibly healthy population. A literature search was performed for the gene, cDNA change, and amino acid change (where applicable). No publications were found based on this search. Allele frequency data from public databases was too high to be consistent with this variant causing disease. Therefore, this variant is classified as benign.

Illumina Laboratory Services, Illumina
Classification: Benign for Myopathy, myofibrillar, 9, with early respiratory failure. Last evaluated: 2017-05-19. Review status: criteria provided, single submitter. Criteria: ICSL Variant Classification Criteria 13 December 2019. Collection method: clinical testing. Allele origin: germline.
Comment: the same text as in the submission from Illumina Laboratory Services, Illumina above.

Illumina Laboratory Services, Illumina
Classification: Benign for Dilated cardiomyopathy 1G. Last evaluated: 2017-05-19. Review status: criteria provided, single submitter. Criteria: ICSL Variant Classification Criteria 13 December 2019. Collection method: clinical testing. Allele origin: germline.
Comment: the same text as in the submission from Illumina Laboratory Services, Illumina above.

CHEO Genetics Diagnostic Laboratory, Children's Hospital of Eastern Ontario
Classification: Benign for Cardiomyopathy. Last evaluated: 2015-11-05. Review status: criteria provided, single submitter. Criteria: ACMG Guidelines, 2015. Collection method: clinical testing. Allele origin: germline. Study: Canadian Open Genetics Repository.

Laboratory for Molecular Medicine, Mass General Brigham Personalized Medicine
Classification: Benign. Last evaluated: 2013-12-05. Review status: criteria provided, single submitter. Criteria: LMM Criteria. Collection method: clinical testing. Allele origin: germline. Observed: 5 variant alleles.
Comment: Thr3940Thr in exon 50 of TTN: This variant is not expected to have clinical sign ificance because it does not alter an amino acid residue and is not located with in the splice consensus sequence. It has been identified in 1.4% (8/572) of East Asian chromosomes from a broad population by the 1000 Genomes Project (dbSNP rs146353237).

Ambry Genetics
Classification: Likely benign for Cardiovascular phenotype. Last evaluated: 2012-12-10. Review status: criteria provided, single submitter. Criteria: Ambry Autosomal Dominant and X-Linked criteria (10/2015). Collection method: clinical testing. Allele origin: germline. Observed: 1 variant allele.

NM_001267550.2(TTN):c.15552C>T (p.Thr5184=)

Gene: TTN (titin; minus strand). Cytogenetic location: 2q31.2.
Variant type: single nucleotide variant.
Coding change: c.15552C>T on transcript NM_001267550.2 (MANE Select); coding-DNA position 15552, C replaced by T.
Protein change: p.Thr5184=; no amino-acid change (threonine 5184 retained).
Molecular consequence: synonymous variant. On other transcripts: intron variant (3).
Genome position (GRCh38, 1-based): chr2:178,733,837, G>A on the plus strand (C>T on the coding strand, the complement: TTN is on the minus strand). VCF-style: chr2-178733837-G-A. GRCh37 (hg19) VCF-style: chr2-179598564-G-A.
Other names: c.13282+4245C>T (NM_003319.4); c.13858+4245C>T (NM_133437.4); c.13657+4245C>T (NM_133432.3); c.14601C>T, p.Thr4867= (NM_001256850.1); c.11820C>T, p.Thr3940= (NM_133378.4).
Identifiers: ClinVar variation 166218 (VCV000166218.59), dbSNP rs146353237, ClinGen allele CA178985.